The following is an entry in ClinVar:

ClinVar aggregate classification (germline): Uncertain significance (1 of 4 stars; one submission).

gnomAD v4.1: 1 of 1,614,118 alleles (0.000062%); highest among the groups gnomAD compares: Non-Finnish European, 0.000085%; no homozygotes.

Submission:

CeGaT Center for Human Genetics Tuebingen
Classification: Uncertain significance. Last evaluated: 2025-07-01. Review status: criteria provided, single submitter. Criteria: CeGaT Center For Human Genetics Tuebingen Variant Classification Criteria Version 2. Collection method: clinical testing. Allele origin: germline. Affected: yes. Observed: 1 variant allele.
Comment: ADAMTS2: PM2, BP4

NM_014244.5(ADAMTS2):c.3531C>T (p.Pro1177=)

Gene: ADAMTS2 (ADAM metallopeptidase with thrombospondin type 1 motif 2; minus strand). Cytogenetic location: 5q35.3.
Variant type: single nucleotide variant.
Coding change: c.3531C>T on transcript NM_014244.5 (MANE Select); coding-DNA position 3531, C replaced by T.
Protein change: p.Pro1177=; no amino-acid change (proline 1177 retained).
Molecular consequence: synonymous variant.
Genome position (GRCh38, 1-based): chr5:179,113,972, G>A on the plus strand (C>T on the coding strand, the complement: ADAMTS2 is on the minus strand). VCF-style: chr5-179113972-G-A. GRCh37 (hg19) VCF-style: chr5-178540973-G-A.
Identifiers: ClinVar variation 4085560 (VCV004085560.8).